The following is an entry in ClinVar:

NM_014141.6(CNTNAP2):c.2098+6C>A

Gene: CNTNAP2 (contactin associated protein 2; plus strand). Cytogenetic location: 7q35.
Variant type: single nucleotide variant.
Coding change: c.2098+6C>A on transcript NM_014141.6 (MANE Select); 6 bases into the intron after coding-DNA position 2098, C replaced by A.
Molecular consequence: intron variant.
Genome position (GRCh38, 1-based): chr7:147,639,312, C>A. VCF-style: chr7-147639312-C-A. GRCh37 (hg19) VCF-style: chr7-147336404-C-A.
Identifiers: ClinVar variation 850668 (VCV000850668.5), dbSNP rs1026244799, ClinGen allele CA168754372.
Genomic context (GRCh38, chr7:147,639,312, plus strand): 5'-TGCGAGCAGTATGTCTCCTATTTCTGCAAGATGTCAAGATTGTTGAACACCCCAGGTAGG[C>A]TGAGAATGGAATGTTACTTTTAATCACTATCTCAGCTGGTGCTTAGAATTGCCTAAAGAA-3'

ClinVar aggregate classification (germline): Uncertain significance (1 of 4 stars; one submission).

Conditions:
Cortical dysplasia-focal epilepsy syndrome (PTHSL1). Also called: Pitt-Hopkins-like syndrome 1. Identifiers: Orphanet 163681, Orphanet 221150, MedGen C2750246, MONDO:0012400, OMIM 610042.

Allele frequency attached by ClinVar (database versions not stated): TOPMed below 0.00001.
gnomAD v4.1: 8 of 1,613,290 alleles (0.0005%); highest among the groups gnomAD compares: Non-Finnish European, 0.00068%; no homozygotes.

Submission:

Labcorp Genetics (formerly Invitae), Labcorp
Classification: Uncertain significance for Cortical dysplasia-focal epilepsy syndrome. Last evaluated: 2022-02-28. Review status: criteria provided, single submitter. Criteria: Invitae Variant Classification Sherloc (09022015). Collection method: clinical testing. Allele origin: germline.
Comment: This sequence change falls in intron 13 of the CNTNAP2 gene. It does not directly change the encoded amino acid sequence of the CNTNAP2 protein. It affects a nucleotide within the consensus splice site. This variant is not present in population databases (gnomAD no frequency). This variant has not been reported in the literature in individuals affected with CNTNAP2-related conditions. ClinVar contains an entry for this variant (Variation ID: 850668). Variants that disrupt the consensus splice site are a relatively common cause of aberrant splicing (PMID: 17576681, 9536098). Algorithms developed to predict the effect of sequence changes on RNA splicing suggest that this variant is not likely to affect RNA splicing. In summary, the available evidence is currently insufficient to determine the role of this variant in disease. Therefore, it has been classified as a Variant of Uncertain Significance.

Literature cited by the submitters: PubMed 17576681; PubMed 9536098.